The following is an entry in ClinVar:

NM_007255.3(B4GALT7):c.411C>T (p.Phe137=)

Gene: B4GALT7 (beta-1,4-galactosyltransferase 7; plus strand). Cytogenetic location: 5q35.3.
Variant type: single nucleotide variant.
Coding change: c.411C>T on transcript NM_007255.3 (MANE Select); coding-DNA position 411, C replaced by T.
Protein change: p.Phe137=; no amino-acid change (phenylalanine 137 retained).
Molecular consequence: synonymous variant.
Genome position (GRCh38, 1-based): chr5:177,604,539, C>T. VCF-style: chr5-177604539-C-T. GRCh37 (hg19) VCF-style: chr5-177031540-C-T.
Other names: p.Phe137=.
Identifiers: ClinVar variation 285266 (VCV000285266.58), dbSNP rs142951817, ClinGen allele CA3586464.

ClinVar aggregate classification (germline): Benign/Likely benign. Review status: criteria provided, multiple submitters, no conflicts (2 of 4 stars). 10 submissions from 10 submitters: Benign (3); Likely benign (5). 2 of the submissions do not count toward it. Last evaluated 2026-01-28.

Conditions:
Spondylodysplastic Ehlers-Danlos syndrome. Identifiers: Orphanet 536471, Orphanet 75496, MedGen C5680154, MONDO:0007526.

Allele frequency attached by ClinVar (database versions not stated): TOPMed 0.00056; ESP Exome Variant Server 0.00069; 1000 Genomes Project 30x 0.00078; 1000 Genomes Project 0.00100; gnomAD exomes 0.00116 and 0.00142; gnomAD 0.00135 and 0.00140; ExAC 0.00143.
gnomAD v4.1: 1,860 of 1,613,728 alleles (0.12%); highest among the groups gnomAD compares: Non-Finnish European, 0.11%; 3 homozygotes.

Submissions (15):

Labcorp Genetics (formerly Invitae), Labcorp
Classification: Benign for Spondylodysplastic Ehlers-Danlos syndrome. Last evaluated: 2026-01-28. Review status: criteria provided, single submitter. Criteria: Invitae Variant Classification Sherloc (09022015). Collection method: clinical testing. Allele origin: germline.

Mayo Clinic Laboratories, Mayo Clinic
Classification: Likely benign. Last evaluated: 2025-07-16. Review status: criteria provided, single submitter. Criteria: ACMG Guidelines, 2015. Collection method: clinical testing. Allele origin: germline. Observed: 7 variant alleles.
Comment: BS1, BP4, BP7

Women's Health and Genetics/Laboratory Corporation of America, LabCorp
Classification: Benign. Last evaluated: 2024-11-27. Review status: criteria provided, single submitter. Criteria: LabCorp Variant Classification Summary - May 2015. Collection method: clinical testing. Allele origin: germline.
Comment: Variant summary: B4GALT7 c.411C>T (p.Phe137Phe) alters a conserved nucleotide located close to a canonical splice site and therefore could affect mRNA splicing, leading to a significantly altered protein sequence. Several computational tools predict a significant impact on normal splicing: Two predict the variant abolishes a 5' splicing donor site. Two predict the variant weakens a 5' donor site. However, these predictions have yet to be confirmed by functional studies. The variant allele was found at a frequency of 0.0014 in 243672 control chromosomes. The observed variant frequency is approximately 1 fold of the estimated maximal expected allele frequency for a pathogenic variant in B4GALT7 causing Spondylodysplastic Ehlers-Danlos syndrome phenotype (0.0011). To our knowledge, no occurrence of c.411C>T in individuals affected with Spondylodysplastic Ehlers-Danlos syndrome and no experimental evidence demonstrating its impact on protein function have been reported. ClinVar contains an entry for this variant (Variation ID: 285266). Based on the evidence outlined above, the variant was classified as benign.

Blueprint Genetics
Classification: Likely benign. Last evaluated: 2024-11-22. Review status: criteria provided, single submitter. Criteria: ACMG Guidelines, 2015. Collection method: clinical testing. Allele origin: germline.

CeGaT Center for Human Genetics Tuebingen
Classification: Likely benign. Last evaluated: 2023-01-01. Review status: criteria provided, single submitter. Criteria: CeGaT Center For Human Genetics Tuebingen Variant Classification Criteria Version 2. Collection method: clinical testing. Allele origin: germline. Affected: yes. Observed: 2 variant alleles.
Comment: B4GALT7: BS1

GeneDx
Classification: Likely benign. Last evaluated: 2017-12-01. Review status: criteria provided, single submitter. Criteria: GeneDx Variant Classification (06012015). Collection method: clinical testing. Allele origin: germline. Affected: yes.
Comment: This variant is considered likely benign or benign based on one or more of the following criteria: it is a conservative change, it occurs at a poorly conserved position in the protein, it is predicted to be benign by multiple in silico algorithms, and/or has population frequency not consistent with disease.

Clinical Genetics DNA and cytogenetics Diagnostics Lab, Erasmus MC, Erasmus Medical Center
Classification: Likely benign for Ehlers-Danlos syndrome, spondylodysplastic type, 1. Last evaluated: 2017-06-28. Review status: criteria provided, single submitter. Criteria: ACGS Guidelines, 2013. Collection method: clinical testing. Allele origin: germline. Affected: yes. Study: VKGL Data-share Consensus.

Eurofins Ntd Llc (ga)
Classification: Benign. Last evaluated: 2015-12-10. Review status: criteria provided, single submitter. Criteria: EGL Classification Definitions 2015. Collection method: clinical testing. Allele origin: germline. Observed: 1 variant allele, 1 heterozygote.

Genome Diagnostics Laboratory, Amsterdam University Medical Center
Classification: Likely benign for Ehlers-Danlos syndrome, spondylodysplastic type, 1. Last evaluated: 2017-11-28. Review status: no assertion criteria provided. Criteria: ACGS Guidelines, 2013. Collection method: clinical testing. Allele origin: germline. Affected: yes. Study: VKGL Data-share Consensus. Not counted in ClinVar's aggregate classification.

Dr. Peter K. Rogan Lab, Western University
No classification provided (evidence only). Condition: Colorectal cancer. Review status: no classification provided. Collection method: in vitro. Allele origin: not applicable. Functional consequence: retained intron. Not counted in ClinVar's aggregate classification.

Dr. Peter K. Rogan Lab, Western University
No classification provided (evidence only). Condition: Thyroid cancer, nonmedullary, 1. Review status: no classification provided. Collection method: in vitro. Allele origin: not applicable. Functional consequence: retained intron. Not counted in ClinVar's aggregate classification.

Dr. Peter K. Rogan Lab, Western University
No classification provided (evidence only). Condition: Uterine carcinosarcoma. Review status: no classification provided. Collection method: in vitro. Allele origin: not applicable. Functional consequence: retained intron. Not counted in ClinVar's aggregate classification.

Dr. Peter K. Rogan Lab, Western University
No classification provided (evidence only). Condition: Malignant tumor of esophagus. Review status: no classification provided. Collection method: in vitro. Allele origin: not applicable. Functional consequence: retained intron. Not counted in ClinVar's aggregate classification.

Dr. Peter K. Rogan Lab, Western University
No classification provided (evidence only). Condition: Ovarian cancer. Review status: no classification provided. Collection method: in vitro. Allele origin: not applicable. Functional consequence: retained intron. Not counted in ClinVar's aggregate classification.

Laboratory of Diagnostic Genome Analysis, Leiden University Medical Center (LUMC)
Classification: Likely benign. Review status: no assertion criteria provided. Collection method: clinical testing. Allele origin: germline. Affected: yes. Study: VKGL Data-share Consensus. Not counted in ClinVar's aggregate classification.